The following is an entry in ClinVar:

ClinVar aggregate classification (germline): Pathogenic (1 of 4 stars; one submission).

Submission:

ISCA site 4
Classification: Pathogenic. Last evaluated: 2011-08-12. Review status: criteria provided, single submitter. Criteria: Kaminsky et al. (Genet Med. 2011). Collection method: clinical testing. Allele origin: unknown. Affected: yes. Observed: 1 variant allele.
Comment: Copy number variation identified through the course of routine clinical cytogenomic testing in postnatal populations. Clinical assertions have been curated as described in Kaminsky et al. 2011.

GRCh38/hg38 8q22.3-23.1(chr8:105053530-107803535)x1

Genes: ABRA (actin binding Rho activating protein; minus strand), ANGPT1 (angiopoietin 1; minus strand), LINC03084 (long intergenic non-protein coding RNA 3084; minus strand), OXR1 (oxidation resistance 1; plus strand), OXR1-AS1 (OXR1 antisense RNA 1; minus strand) and 27 more. Cytogenetic location: 8q22.3-23.1.
Variant type: copy number loss.
Change: copy number 1 (one copy instead of two) of chr8:105,053,530-107,803,535 (2.75 Mb, GRCh38 coordinates, 1-based), cytogenetic band 8q22.3-23.1.
Identifiers: ClinVar variation 57335 (VCV000057335.1).